The following is an entry in ClinVar:

ClinVar aggregate classification (germline): Uncertain significance (1 of 4 stars; one submission).

Conditions:
Inborn genetic diseases. Identifiers: MedGen C0950123, MeSH D030342.

gnomAD v4.1: 9 of 1,608,962 alleles (0.00056%); highest among the groups gnomAD compares: African/African-American, 0.0027%; no homozygotes.

Submission:

Ambry Genetics
Classification: Uncertain significance for Inborn genetic diseases. Last evaluated: 2025-01-27. Review status: criteria provided, single submitter. Criteria: Ambry Variant Classification Scheme 2023. Collection method: clinical testing. Allele origin: germline.
Comment: The c.2627G>A (p.G876E) alteration is located in exon 22 (coding exon 22) of the MAPK8IP3 gene. This alteration results from a G to A substitution at nucleotide position 2627, causing the glycine (G) at amino acid position 876 to be replaced by a glutamic acid (E). Based on data from gnomAD, the A allele has an overall frequency of 0.001% (3/244262) total alleles studied. The highest observed frequency was 0.003% (3/109710) of European (non-Finnish) alleles. This amino acid position is well conserved in available vertebrate species. This alteration is predicted to be tolerated by in silico analysis. Based on insufficient or conflicting evidence, the clinical significance of this alteration remains unclear.

NM_001318852.2(MAPK8IP3):c.2630G>A (p.Gly877Glu)

Gene: MAPK8IP3 (mitogen-activated protein kinase 8 interacting protein 3; plus strand). Cytogenetic location: 16p13.3.
Variant type: single nucleotide variant.
Coding change: c.2630G>A on transcript NM_001318852.2 (MANE Select); coding-DNA position 2630, G replaced by A.
Protein change: p.Gly877Glu; replaces glycine 877 with glutamic acid.
Molecular consequence: missense variant.
Genome position (GRCh38, 1-based): chr16:1,766,220, G>A. VCF-style: chr16-1766220-G-A. GRCh37 (hg19) VCF-style: chr16-1816221-G-A.
Other names: c.2609G>A, p.Gly870Glu (NM_001040439.2); c.2627G>A, p.Gly876Glu (NM_015133.5); short protein forms G877E, G870E, G876E.
Identifiers: ClinVar variation 3870492 (VCV003870492.1).